The following is an entry in ClinVar:

ClinVar aggregate classification (germline): Uncertain significance. Review status: criteria provided, multiple submitters, no conflicts (2 of 4 stars). 2 submissions from 2 submitters: Uncertain significance (2). Last evaluated 2024-03-24.

Conditions:
Hereditary cancer-predisposing syndrome. Also called: Neoplastic Syndromes, Hereditary; Tumor predisposition; Hereditary neoplastic syndrome; Hereditary Cancer Syndrome. Identifiers: Orphanet 140162, MedGen C0027672, MeSH D009386, MONDO:0015356.
Global developmental delay - lung cysts - overgrowth - Wilms tumor syndrome. Also called: GLOBAL DEVELOPMENTAL DELAY, LUNG CYSTS, OVERGROWTH, AND WILMS TUMOR; GLOW Syndrome. Identifiers: Orphanet 404476, MedGen C4748924, MONDO:0018445, OMIM 618272.

Allele frequency attached by ClinVar (database versions not stated): gnomAD exomes below 0.00001.
gnomAD v4.1: 1 of 1,614,168 alleles (0.000062%); highest among the groups gnomAD compares: Admixed American, 0.0017%; no homozygotes.

Submissions (2):

Baylor Genetics
Classification: Uncertain significance for Global developmental delay - lung cysts - overgrowth - Wilms tumor syndrome. Last evaluated: 2024-03-24. Review status: criteria provided, single submitter. Criteria: ACMG Guidelines, 2015. Collection method: clinical testing. Allele origin: unknown.

Ambry Genetics
Classification: Uncertain significance for Hereditary cancer-predisposing syndrome. Last evaluated: 2023-09-16. Review status: criteria provided, single submitter. Criteria: Ambry Variant Classification Scheme 2023. Collection method: clinical testing. Allele origin: germline.
Comment: The p.P1229R variant (also known as c.3686C>G), located in coding exon 20 of the DICER1 gene, results from a C to G substitution at nucleotide position 3686. The proline at codon 1229 is replaced by arginine, an amino acid with dissimilar properties. This amino acid position is conserved. In addition, the in silico prediction for this alteration is inconclusive. Since supporting evidence is limited at this time, the clinical significance of this alteration remains unclear.

NM_177438.3(DICER1):c.3686C>G (p.Pro1229Arg)

Gene: DICER1 (dicer 1, ribonuclease III; minus strand). Cytogenetic location: 14q32.13.
Variant type: single nucleotide variant.
Coding change: c.3686C>G on transcript NM_177438.3 (MANE Select); coding-DNA position 3686, C replaced by G.
Protein change: p.Pro1229Arg; replaces proline 1229 with arginine.
Molecular consequence: missense variant. On other transcripts: non-coding transcript variant (6).
Genome position (GRCh38, 1-based): chr14:95,103,710, G>C on the plus strand (C>G on the coding strand, the complement: DICER1 is on the minus strand). VCF-style: chr14-95103710-G-C. GRCh37 (hg19) VCF-style: chr14-95570047-G-C.
Other names: c.3686C>G, p.Pro1229Arg (NM_001195573.1, NM_001271282.3, NM_001291628.2 and 13 more transcripts); c.3404C>G, p.Pro1135Arg (NM_001395686.1); c.3281C>G, p.Pro1094Arg (NM_001395687.1, NM_001395688.1, NM_001395689.1 and 2 more transcripts); c.3119C>G, p.Pro1040Arg (NM_001395691.1); c.2003C>G, p.Pro668Arg (NM_001395697.1); short protein forms P1040R, P1094R, P1135R, P1229R, P668R.
Identifiers: ClinVar variation 3229389 (VCV003229389.2), dbSNP rs1370940293, ClinGen allele CA390874359.